The following is an entry in ClinVar:

NM_006031.6(PCNT):c.2451G>T (p.Gln817His)

Gene: PCNT (pericentrin; plus strand). Cytogenetic location: 21q22.3.
Variant type: single nucleotide variant.
Coding change: c.2451G>T on transcript NM_006031.6 (MANE Select); coding-DNA position 2451, G replaced by T.
Protein change: p.Gln817His; replaces glutamine 817 with histidine.
Molecular consequence: missense variant.
Genome position (GRCh38, 1-based): chr21:46,363,776, G>T. VCF-style: chr21-46363776-G-T. GRCh37 (hg19) VCF-style: chr21-47783691-G-T.
Other names: c.2097G>T, p.Gln699His (NM_001315529.2); short protein forms Q699H, Q817H.
Identifiers: ClinVar variation 1525573 (VCV001525573.6), dbSNP rs771463564, ClinGen allele CA10078974.

ClinVar aggregate classification (germline): Uncertain significance (1 of 4 stars; one submission).

Allele frequency attached by ClinVar (database versions not stated): ExAC 0.00001.

Submission:

Labcorp Genetics (formerly Invitae), Labcorp
Classification: Uncertain significance. Last evaluated: 2024-02-19. Review status: criteria provided, single submitter. Criteria: Invitae Variant Classification Sherloc (09022015). Collection method: clinical testing. Allele origin: germline.
Comment: This sequence change replaces glutamine, which is neutral and polar, with histidine, which is basic and polar, at codon 817 of the PCNT protein (p.Gln817His). This variant is present in population databases (rs771463564, gnomAD 0.0009%). This variant has not been reported in the literature in individuals affected with PCNT-related conditions. ClinVar contains an entry for this variant (Variation ID: 1525573). An algorithm developed to predict the effect of missense changes on protein structure and function (PolyPhen-2) suggests that this variant is likely to be disruptive. In summary, the available evidence is currently insufficient to determine the role of this variant in disease. Therefore, it has been classified as a Variant of Uncertain Significance.